The following is an entry in ClinVar:

ClinVar aggregate classification (germline): Uncertain significance (1 of 4 stars; one submission).

Submission:

Labcorp Genetics (formerly Invitae), Labcorp
Classification: Uncertain significance. Last evaluated: 2022-04-09. Review status: criteria provided, single submitter. Criteria: Invitae Variant Classification Sherloc (09022015). Collection method: clinical testing. Allele origin: germline.
Comment: In summary, the available evidence is currently insufficient to determine the role of this variant in disease. Therefore, it has been classified as a Variant of Uncertain Significance. Algorithms developed to predict the effect of missense changes on protein structure and function output the following: SIFT: "Tolerated"; PolyPhen-2: "Benign"; Align-GVGD: "Class C0". The threonine amino acid residue is found in multiple mammalian species, which suggests that this missense change does not adversely affect protein function. This variant has not been reported in the literature in individuals affected with GATA5-related conditions. This variant is not present in population databases (gnomAD no frequency). This sequence change replaces alanine, which is neutral and non-polar, with threonine, which is neutral and polar, at codon 140 of the GATA5 protein (p.Ala140Thr).

NM_080473.5(GATA5):c.418G>A (p.Ala140Thr)

Gene: GATA5 (GATA binding protein 5; minus strand). Cytogenetic location: 20q13.33.
Variant type: single nucleotide variant.
Coding change: c.418G>A on transcript NM_080473.5 (MANE Select); coding-DNA position 418, G replaced by A.
Protein change: p.Ala140Thr; replaces alanine 140 with threonine.
Molecular consequence: missense variant.
Genome position (GRCh38, 1-based): chr20:62,475,104, C>T on the plus strand (G>A on the coding strand, the complement: GATA5 is on the minus strand). VCF-style: chr20-62475104-C-T. GRCh37 (hg19) VCF-style: chr20-61050160-C-T.
Other names: short protein forms A140T.
Identifiers: ClinVar variation 1929487 (VCV001929487.5), dbSNP rs1555896990, ClinGen allele CA409556411.